The following is an entry in ClinVar:

ClinVar aggregate classification (germline): Conflicting classifications of pathogenicity. Review status: criteria provided, conflicting classifications (1 of 4 stars). 4 submissions from 4 submitters: Uncertain significance (2); Likely benign (2). Last evaluated 2025-05-03.

Conditions:
Hereditary cancer-predisposing syndrome. Also called: Hereditary Cancer Syndrome; Hereditary neoplastic syndrome; Tumor predisposition; Neoplastic Syndromes, Hereditary. Identifiers: Orphanet 140162, MedGen C0027672, MeSH D009386, MONDO:0015356.
Hereditary breast ovarian cancer syndrome. Also called: Hereditary breast and ovarian cancer syndrome (HBOC); BRCA1- and BRCA2-Associated Hereditary Breast and Ovarian Cancer; Hereditary breast and/or ovarian cancer syndrome; Hereditary breast and ovarian cancer; Breast and ovarian cancer; Hereditary breast and ovarian cancer syndrome. Identifiers: Orphanet 145, MedGen C0677776, MeSH D061325, MONDO:0003582. Disease mechanism: loss of function.

Submissions (4):

Labcorp Genetics (formerly Invitae), Labcorp
Classification: Uncertain significance for Hereditary breast ovarian cancer syndrome. Last evaluated: 2025-05-03. Review status: criteria provided, single submitter. Criteria: Invitae Variant Classification Sherloc (09022015). Collection method: clinical testing. Allele origin: germline.
Comment: This sequence change replaces histidine, which is basic and polar, with asparagine, which is neutral and polar, at codon 1458 of the BRCA2 protein (p.His1458Asn). This variant is not present in population databases (gnomAD no frequency). This variant has not been reported in the literature in individuals affected with BRCA2-related conditions. ClinVar contains an entry for this variant (Variation ID: 1960500). Invitae Evidence Modeling of protein sequence and biophysical properties (such as structural, functional, and spatial information, amino acid conservation, physicochemical variation, residue mobility, and thermodynamic stability) indicates that this missense variant is not expected to disrupt BRCA2 protein function with a negative predictive value of 95%. In summary, the available evidence is currently insufficient to determine the role of this variant in disease. Therefore, it has been classified as a Variant of Uncertain Significance.

GeneDx
Classification: Uncertain significance. Last evaluated: 2023-11-16. Review status: criteria provided, single submitter. Criteria: GeneDx Variant Classification Process June 2021. Collection method: clinical testing. Allele origin: germline. Affected: yes.
Comment: Not observed at significant frequency in large population cohorts (gnomAD); In silico analysis supports that this missense variant does not alter protein structure/function; Has not been previously published as pathogenic or benign to our knowledge; Also known as 4600C>A

Ambry Genetics
Classification: Likely benign for Hereditary cancer-predisposing syndrome. Last evaluated: 2023-11-12. Review status: criteria provided, single submitter. Criteria: Ambry Variant Classification Scheme 2023. Collection method: clinical testing. Allele origin: germline.

University of Washington Department of Laboratory Medicine, University of Washington
Classification: Likely benign for Hereditary cancer-predisposing syndrome. Last evaluated: 2023-03-23. Review status: criteria provided, single submitter. Criteria: Dines et al. (Genet Med. 2020). Collection method: curation. Allele origin: germline.
Comment: Missense variant in a coldspot region where missense variants are very unlikely to be pathogenic (PMID:31911673).

BRCA2 exon 11 coldspot. Reclassification based on statistical prior probability.

NM_000059.4(BRCA2):c.4372C>A (p.His1458Asn)

Gene: BRCA2 (BRCA2 DNA repair associated; plus strand). Cytogenetic location: 13q13.1.
Variant type: single nucleotide variant.
Coding change: c.4372C>A on transcript NM_000059.4 (MANE Select); coding-DNA position 4372, C replaced by A.
Protein change: p.His1458Asn; replaces histidine 1458 with asparagine.
Molecular consequence: missense variant.
Genome position (GRCh38, 1-based): chr13:32,338,727, C>A. VCF-style: chr13-32338727-C-A. GRCh37 (hg19) VCF-style: chr13-32912864-C-A.
Other names: c.4372C>A, p.His1458Asn (NM_001406719.1, NM_001406720.1); short protein forms H1458N.
Identifiers: ClinVar variation 1960500 (VCV001960500.9), dbSNP rs80358672, ClinGen allele CA387781008.
Genomic context (GRCh38, chr13:32,338,727, plus strand): 5'-GTCGCCAAAGAGTCATTTAATAAAATTGTAAATTTCTTTGATCAGAAACCAGAAGAATTG[C>A]ATAACTTTTCCTTAAATTCTGAATTACATTCTGACATAAGAAAGAACAAAATGGACATTC-3'
Protein context (NP_000050.3, residues 1448-1468): NFFDQKPEEL[His1458Asn]NFSLNSELHS